The following is an entry in ClinVar:

ClinVar aggregate classification (germline): Uncertain significance (1 of 4 stars; one submission).

Conditions:
Melanoma, cutaneous malignant, susceptibility to, 5. Also called: Cutaneous malignant melanoma 5. Identifiers: Orphanet 618, MedGen C2751295, MONDO:0013133, OMIM 613099.

Submission:

Labcorp Genetics (formerly Invitae), Labcorp
Classification: Uncertain significance for Melanoma, cutaneous malignant, susceptibility to, 5. Last evaluated: 2021-08-28. Review status: criteria provided, single submitter. Criteria: Invitae Variant Classification Sherloc (09022015). Collection method: clinical testing. Allele origin: germline.
Comment: This variant has not been reported in the literature in individuals affected with MC1R-related conditions. This variant is not present in population databases (ExAC no frequency). This sequence change creates a premature translational stop signal (p.Val231Profs*9) in the MC1R gene. While this is not anticipated to result in nonsense mediated decay, it is expected to disrupt the last 87 amino acid(s) of the MC1R protein. In summary, the available evidence is currently insufficient to determine the role of this variant in disease. Therefore, it has been classified as a Variant of Uncertain Significance.

NM_002386.4(MC1R):c.687_690dup (p.Val231fs)

Gene: MC1R (melanocortin 1 receptor; plus strand). Cytogenetic location: 16q24.3.
Variant type: Duplication.
Coding change: c.687_690dup on transcript NM_002386.4 (MANE Select); coding-DNA positions 687 to 690, 4 bases duplicated (CCCG; older notation c.687_690dupCCCG).
Protein change: p.Val231fs; shifts the reading frame from valine 231.
Molecular consequence: frameshift variant.
Genome position (GRCh38, 1-based): chr16:89,919,945-89,919,948, CCCG duplicated; duplicating any 4 consecutive bases within chr16:89,919,943-89,919,948 gives the same sequence; the c. name uses the placement nearest the transcript's 3' end. VCF-style (leftmost placement, unchanged base first): chr16-89919942-G-GCGCC. GRCh37 (hg19) VCF-style: chr16-89986350-G-GCGCC.
Other names: short protein forms V231fs.
Identifiers: ClinVar variation 1501778 (VCV001501778.6), dbSNP rs2144392802, ClinGen allele CA2573152827.